The following is an entry in ClinVar:

ClinVar aggregate classification (germline): Conflicting classifications of pathogenicity. Review status: criteria provided, conflicting classifications (1 of 4 stars). 3 submissions from 3 submitters: Likely pathogenic (1); Uncertain significance (2). Last evaluated 2021-05-11.

Conditions:
Congenital myotonia, autosomal recessive form. Also called: BECKER DISEASE; Becker Generalized Myotonia; myotonia congenita, autosomal recessive. Identifiers: Orphanet 614, MedGen C0751360, MONDO:0009715, OMIM 255700.

gnomAD v4.1: 3 of 1,614,206 alleles (0.00019%); highest among the groups gnomAD compares: Non-Finnish European, 0.00025%; no homozygotes.

Submissions (3):

Revvity Omics, Revvity
Classification: Uncertain significance. Last evaluated: 2021-05-11. Review status: criteria provided, single submitter. Criteria: ACMG Guidelines, 2015. Collection method: clinical testing. Allele origin: germline.

Athena Diagnostics
Classification: Uncertain significance. Last evaluated: 2018-02-13. Review status: criteria provided, single submitter. Criteria: Athena Diagnostics Criteria. Collection method: clinical testing. Allele origin: germline.

Department Of Human Genetics, Institute Of Clinical And Translational Research, Biomedical Research Center, Slovak Academy Of Sciences
Classification: Likely pathogenic for Congenital myotonia, autosomal recessive form. Review status: criteria provided, single submitter. Criteria: ACMG Guidelines, 2015. Collection method: research. Allele origin: germline. Inheritance: Autosomal recessive inheritance. Affected: yes. Observed: 4 variant alleles.
Comment: Thec.1295C>G (p.(Thr432Arg)) variant was found in a heterozygous state in 4 Slovak patients with Myotonia congenita, and it was always present in cis with another variant c.905A>G (p.(Tyr302Cys)), as already pointed by Skálová et al. 2013 (PMID: 24349310). In two of these patients also other Likely Pathogenic variants were found in the trans position, namely c.2364+2T>C and c.1471+1G>A. The c.1295C>G (p.(Thr432Arg)) variant is listed as a disease-causing in the HGMD database (CM1313402). GnomAD Exomes Version: 4.0 indicates the frequency of f = 0.00000205.

Literature cited by the submitters: PubMed 24349310 (cited by Athena Diagnostics and Department Of Human Genetics, Institute Of Clinical And Translational Research, Biomedical Research Center, Slovak Academy Of Sciences).

NM_000083.3(CLCN1):c.1295C>G (p.Thr432Arg)

Gene: CLCN1 (chloride voltage-gated channel 1; plus strand). Cytogenetic location: 7q34.
Variant type: single nucleotide variant.
Coding change: c.1295C>G on transcript NM_000083.3 (MANE Select); coding-DNA position 1295, C replaced by G.
Protein change: p.Thr432Arg; replaces threonine 432 with arginine.
Molecular consequence: missense variant.
Genome position (GRCh38, 1-based): chr7:143,332,767, C>G. VCF-style: chr7-143332767-C-G. GRCh37 (hg19) VCF-style: chr7-143029860-C-G.
Other names: short protein forms T432R.
Identifiers: ClinVar variation 585679 (VCV000585679.5), dbSNP rs1563080014, ClinGen allele CA369643950.